The following is an entry in ClinVar:

ClinVar aggregate classification (germline): Uncertain significance (1 of 4 stars; one submission).

Conditions:
Retinitis pigmentosa 59 (RP59). Identifiers: Orphanet 791, MedGen C3151227, MONDO:0013468, OMIM 613861.

Submission:

Labcorp Genetics (formerly Invitae), Labcorp
Classification: Uncertain significance for Retinitis pigmentosa 59. Last evaluated: 2023-10-05. Review status: criteria provided, single submitter. Criteria: Invitae Variant Classification Sherloc (09022015). Collection method: clinical testing. Allele origin: germline.
Comment: This sequence change affects the initiator methionine of the DHDDS mRNA. The next in-frame methionine is located at codon 25. This variant is not present in population databases (gnomAD no frequency). This variant has not been reported in the literature in individuals affected with DHDDS-related conditions. In summary, the available evidence is currently insufficient to determine the role of this variant in disease. Therefore, it has been classified as a Variant of Uncertain Significance.

NM_205861.3(DHDDS):c.1_2del (p.Met1fs)

Gene: DHDDS (dehydrodolichyl diphosphate synthase subunit; plus strand). Cytogenetic location: 1p36.11.
Variant type: Deletion.
Coding change: c.1_2del on transcript NM_205861.3 (MANE Select); coding-DNA positions 1 to 2, 2 bases deleted (AT; older notation c.1_2delAT).
Protein change: p.Met1fs; shifts the reading frame from methionine 1.
Molecular consequence: frameshift variant, initiator codon variant. On other transcripts: 5 prime UTR variant (1).
Genome position (GRCh38, 1-based): chr1:26,432,946-26,432,947, AT deleted; deleting any 2 consecutive bases within chr1:26,432,945-26,432,947 gives the same sequence; the c. name uses the placement nearest the transcript's 3' end. VCF-style (leftmost placement, unchanged base first): chr1-26432944-CTA-C. GRCh37 (hg19) VCF-style: chr1-26759435-CTA-C.
Other names: c.1_2del, p.Met1fs (NM_001243564.2, NM_001243565.2, NM_024887.4); c.-302_-301del (NM_001319959.2); short protein forms M1fs.
Identifiers: ClinVar variation 2748815 (VCV002748815.3), dbSNP rs2524404722, ClinGen allele CA2697552296.